The following is an entry in ClinVar:

ClinVar aggregate classification (germline): Conflicting classifications of pathogenicity. Review status: criteria provided, conflicting classifications (1 of 4 stars). 5 submissions from 5 submitters: Uncertain significance (3); Benign (1); Likely benign (1). Last evaluated 2025-03-25.

Conditions:
NOTCH1-related disorder. Also called: NOTCH1-related disorders; NOTCH1-related condition.
Adams-Oliver syndrome 5 (AOS5). Identifiers: Orphanet 974, MedGen C4014970, MONDO:0014459, OMIM 616028.

Allele frequency attached by ClinVar (database versions not stated): ExAC 0.00003.
gnomAD v4.1: 35 of 1,612,594 alleles (0.0022%); highest among the groups gnomAD compares: South Asian, 0.0044%; no homozygotes.

Submissions (5):

Labcorp Genetics (formerly Invitae), Labcorp
Classification: Benign for Adams-Oliver syndrome 5. Last evaluated: 2025-03-25. Review status: criteria provided, single submitter. Criteria: Invitae Variant Classification Sherloc (09022015). Collection method: clinical testing. Allele origin: germline.

GeneDx
Classification: Uncertain significance. Last evaluated: 2024-07-24. Review status: criteria provided, single submitter. Criteria: GeneDx Variant Classification Process June 2021. Collection method: clinical testing. Allele origin: germline. Affected: yes.
Comment: Not observed at significant frequency in large population cohorts (gnomAD); In silico analysis supports that this missense variant has a deleterious effect on protein structure/function; Has not been previously published as pathogenic or benign to our knowledge

Blueprint Genetics
Classification: Likely benign. Last evaluated: 2023-03-20. Review status: criteria provided, single submitter. Criteria: ACMG Guidelines, 2015. Collection method: clinical testing. Allele origin: germline.

PreventionGenetics, part of Exact Sciences
Classification: Uncertain significance for NOTCH1-related condition. Last evaluated: 2023-02-16. Review status: criteria provided, single submitter. Criteria: ACMG Guidelines, 2015. Collection method: clinical testing. Allele origin: germline.
Comment: The NOTCH1 c.2387C>T variant is predicted to result in the amino acid substitution p.Ala796Val. To our knowledge, this variant has not been reported in the literature. This variant is reported in 0.0039% of alleles in individuals of European (Non-Finnish) descent in gnomAD. At this time, the clinical significance of this variant is uncertain due to the absence of conclusive functional and genetic evidence.

Mayo Clinic Laboratories, Mayo Clinic
Classification: Uncertain significance. Last evaluated: 2022-11-02. Review status: criteria provided, single submitter. Criteria: ACMG Guidelines, 2015. Collection method: clinical testing. Allele origin: germline. Observed: 3 variant alleles.
Comment: PP2

NM_017617.5(NOTCH1):c.2387C>T (p.Ala796Val)

Gene: NOTCH1 (notch receptor 1; minus strand). Cytogenetic location: 9q34.3.
Variant type: single nucleotide variant.
Coding change: c.2387C>T on transcript NM_017617.5 (MANE Select); coding-DNA position 2387, C replaced by T.
Protein change: p.Ala796Val; replaces alanine 796 with valine.
Molecular consequence: missense variant.
Genome position (GRCh38, 1-based): chr9:136,513,101, G>A on the plus strand (C>T on the coding strand, the complement: NOTCH1 is on the minus strand). VCF-style: chr9-136513101-G-A. GRCh37 (hg19) VCF-style: chr9-139407553-G-A.
Other names: p.Ala796Val; c.2387C>T (NM_017617.4, NM_017617.3); short protein forms A796V.
Identifiers: ClinVar variation 2064635 (VCV002064635.8), dbSNP rs753036935, ClinGen allele CA5341369.
Genomic context (GRCh38, chr9:136,513,101, plus strand): 5'-TTGCACTTGTACCCGGCAACGTCGTCAATACACGTGCCCTGGTTCAGACATGGGTTGGAC[G>A]CACACTCGTTGATGTTGGTCTGGCAGTTGGGACCTGGAGGGAAGGGGACAGCACTCGGCA-3'
Protein context (NP_060087.3, residues 786-806): PNCQTNINEC[Ala796Val]SNPCLNQGTC